The following is an entry in ClinVar:

ClinVar aggregate classification (germline): Uncertain significance. Review status: criteria provided, multiple submitters, no conflicts (2 of 4 stars). 4 submissions from 4 submitters: Uncertain significance (3). 1 of the submissions does not count toward it. Last evaluated 2026-01-12.

Conditions:
Episodic ataxia type 2 (EA2). Also called: ACETAZOLAMIDE-RESPONSIVE HEREDITARY PAROXYSMAL CEREBELLAR ATAXIA; ATAXIA, EPISODIC, WITH NYSTAGMUS; ATAXIA, FAMILIAL PAROXYSMAL; CEREBELLAR ATAXIA, PAROXYSMAL, ACETAZOLAMIDE-RESPONSIVE; CEREBELLOPATHY, HEREDITARY PAROXYSMAL; EPISODIC ATAXIA, NYSTAGMUS-ASSOCIATED. Identifiers: Orphanet 97, MedGen C1720416, MONDO:0007163, OMIM 108500.
Developmental and epileptic encephalopathy, 42 (DEE42A). Also called: Epileptic encephalopathy, early infantile, 42; DEVELOPMENTAL AND EPILEPTIC ENCEPHALOPATHY 42A; EPILEPTIC ENCEPHALOPATHY, EARLY INFANTILE, 42A. Identifiers: MedGen C4310716, MONDO:0014917, OMIM 617106.
CACNA1A-related disorder. Also called: CACNA1A-related condition.

gnomAD v4.1: 12 of 1,548,224 alleles (0.00078%); highest among the groups gnomAD compares: Admixed American, 0.0019%; 1 homozygote.

Submissions (4):

Labcorp Genetics (formerly Invitae), Labcorp
Classification: Uncertain significance for Developmental and epileptic encephalopathy, 42; Episodic ataxia type 2. Last evaluated: 2026-01-12. Review status: criteria provided, single submitter. Criteria: Invitae Variant Classification Sherloc (09022015). Collection method: clinical testing. Allele origin: germline.
Comment: This sequence change replaces arginine, which is basic and polar, with tryptophan, which is neutral and slightly polar, at codon 2242 of the CACNA1A protein (p.Arg2242Trp). This variant is present in population databases (rs760428308, gnomAD 0.002%). This missense change has been observed in individual(s) with focal epilepsy with a family history of sudden unexpected death in epilepsy (SUDEP) (PMID: 26423924). ClinVar contains an entry for this variant (Variation ID: 657347). Invitae Evidence Modeling of protein sequence and biophysical properties (such as structural, functional, and spatial information, amino acid conservation, physicochemical variation, residue mobility, and thermodynamic stability) indicates that this missense variant is not expected to disrupt CACNA1A protein function with a negative predictive value of 95%. In summary, the available evidence is currently insufficient to determine the role of this variant in disease. Therefore, it has been classified as a Variant of Uncertain Significance.

Mayo Clinic Laboratories, Mayo Clinic
Classification: Uncertain significance. Last evaluated: 2024-05-06. Review status: criteria provided, single submitter. Criteria: ACMG Guidelines, 2015. Collection method: clinical testing. Allele origin: germline. Observed: 1 variant allele.
Comment: PM2_moderate

CeGaT Center for Human Genetics Tuebingen
Classification: Uncertain significance. Last evaluated: 2023-03-01. Review status: criteria provided, single submitter. Criteria: CeGaT Center For Human Genetics Tuebingen Variant Classification Criteria Version 2. Collection method: clinical testing. Allele origin: germline. Affected: yes. Observed: 1 variant allele.
Comment: CACNA1A: PP2, PP3

PreventionGenetics, part of Exact Sciences
Classification: Uncertain significance for CACNA1A-related condition. Last evaluated: 2023-12-27. Review status: no assertion criteria provided. Collection method: clinical testing. Allele origin: germline. Not counted in ClinVar's aggregate classification.
Comment: The CACNA1A c.6721C>T variant is predicted to result in the amino acid substitution p.Arg2241Trp. This variant was previously observed in a large cohort of individuals with sudden unexpected death in epilepsy (Coll et al. 2016. PubMed ID: 26423924). This variant is reported in 0.0015% of alleles in individuals of European (Non-Finnish) descent in gnomAD. At this time, the clinical significance of this variant is uncertain due to the absence of conclusive functional and genetic evidence.

Literature cited by the submitters: PubMed 26423924 (cited by Labcorp Genetics (formerly Invitae), Labcorp and Mayo Clinic Laboratories, Mayo Clinic).

NM_001127222.2(CACNA1A):c.6721C>T (p.Arg2241Trp)

Genes: CACNA1A (calcium voltage-gated channel subunit alpha1 A; minus strand), LOC130063717 (ATAC-STARR-seq lymphoblastoid silent region 10203; plus strand). Cytogenetic location: 19p13.13.
Variant type: single nucleotide variant.
Coding change: c.6721C>T on transcript NM_001127222.2 (MANE Select); coding-DNA position 6721, C replaced by T.
Protein change: p.Arg2241Trp; replaces arginine 2241 with tryptophan.
Molecular consequence: missense variant.
Genome position (GRCh38, 1-based): chr19:13,208,815, G>A on the plus strand (C>T on the coding strand, the complement: CACNA1A is on the minus strand). VCF-style: chr19-13208815-G-A. GRCh37 (hg19) VCF-style: chr19-13319629-G-A.
Other names: p.Arg2242Trp; c.6721C>T (NM_001127222.1); c.6739C>T, p.Arg2247Trp (NM_000068.4, NM_023035.3); c.6724C>T, p.Arg2242Trp (NM_001127221.2); c.6730C>T, p.Arg2244Trp (NM_001174080.2); short protein forms R2242W, R2247W, R2241W, R2244W.
Identifiers: ClinVar variation 657347 (VCV000657347.37), dbSNP rs760428308, ClinGen allele CA9239282.
Genomic context (GRCh38, chr19:13,208,815, plus strand): 5'-CCTGCCGGTGCGCCATGTGCTCTCGGCCCTCGCTGGGCGAGCGGGACCAGCGCTGGTCCC[G>A]AGCCCGTGCCCGGCCGTGGTCCGGCCGTTCCTGGGCATAGCGGTCCTTGTCGGGGGGCGG-3'
Protein context (NP_001120694.1, residues 2231-2251): ERPDHGRARA[Arg2241Trp]DQRWSRSPSE